The following is an entry in ClinVar:

NM_002160.4(TNC):c.2306G>A (p.Arg769Gln)

Gene: TNC (tenascin C; minus strand). Cytogenetic location: 9q33.1.
Variant type: single nucleotide variant.
Coding change: c.2306G>A on transcript NM_002160.4 (MANE Select); coding-DNA position 2306, G replaced by A.
Protein change: p.Arg769Gln; replaces arginine 769 with glutamine.
Molecular consequence: missense variant.
Genome position (GRCh38, 1-based): chr9:115,081,870, C>T on the plus strand (G>A on the coding strand, the complement: TNC is on the minus strand). VCF-style: chr9-115081870-C-T. GRCh37 (hg19) VCF-style: chr9-117844149-C-T.
Other names: c.2306G>A, p.Arg769Gln (NM_001410991.1); short protein forms R769Q.
Identifiers: ClinVar variation 2398154 (VCV002398154.4), dbSNP rs149338321, ClinGen allele CA5208569.

ClinVar aggregate classification (germline): Uncertain significance. Review status: criteria provided, multiple submitters, no conflicts (2 of 4 stars). 2 submissions from 2 submitters: Uncertain significance (2). Last evaluated 2026-07-14.

Conditions:
TNC-related disorder. Also called: TNC-related condition.

Allele frequency attached by ClinVar (database versions not stated): ESP Exome Variant Server 0.00008; gnomAD 0.00009; gnomAD exomes 0.00011; ExAC 0.00012; 1000 Genomes Project 30x 0.00016; TOPMed 0.00017; 1000 Genomes Project 0.00020.
gnomAD v4.1: 171 of 1,602,178 alleles (0.011%); highest among the groups gnomAD compares: Admixed American, 0.019%; no homozygotes.

Submissions (2):

PreventionGenetics, part of Exact Sciences
Classification: Uncertain significance for TNC-related condition. Last evaluated: 2026-07-14. Review status: criteria provided, single submitter. Criteria: ACMG Guidelines, 2015. Collection method: clinical testing. Allele origin: germline.
Comment: The TNC c.2306G>A variant is predicted to result in the amino acid substitution p.Arg769Gln. To our knowledge, this variant has not been reported in the literature. This variant is reported in 0.019% of alleles in individuals of Latino descent in gnomAD. Although we suspect that this variant may be benign, at this time, the clinical significance of this variant is uncertain due to the absence of conclusive functional and genetic evidence.

Ambry Genetics
Classification: Uncertain significance. Last evaluated: 2024-06-25. Review status: criteria provided, single submitter. Criteria: Ambry Variant Classification Scheme 2023. Collection method: clinical testing. Allele origin: germline.